The following is an entry in ClinVar:

NM_153717.3(EVC):c.13_14insCTCA (p.Gly5fs)

Genes: EVC (EvC ciliary complex subunit 1; plus strand), LOC129992144 (ATAC-STARR-seq lymphoblastoid silent region 15223; plus strand). Cytogenetic location: 4p16.2.
Variant type: Insertion.
Coding change: c.13_14insCTCA on transcript NM_153717.3 (MANE Select); coding-DNA positions 13 to 14, CTCA inserted.
Protein change: p.Gly5fs; shifts the reading frame from glycine 5.
Molecular consequence: frameshift variant.
Genome position: GRCh38 VCF-style: chr4-5711393-G-GCTCA. GRCh37 (hg19) VCF-style: chr4-5713120-G-GCTCA.
Other names: c.13_14insCTCA, p.Gly5fs (NM_001306090.2, NM_001306092.2); short protein forms G5fs.
Identifiers: ClinVar variation 1725400 (VCV001725400.2), dbSNP rs2474191369, ClinGen allele CA2580070788.

ClinVar aggregate classification (germline): Likely pathogenic (1 of 4 stars; one submission).

Conditions:
Ellis-van Creveld syndrome (EVC). Also called: EVC-Related Ellis-van Creveld Syndrome; EVC2-Related Ellis-van Creveld Syndrome; MESOECTODERMAL DYSPLASIA; Chondroectodermal dysplasia. Identifiers: Orphanet 289, MedGen C0013903, MONDO:0009162, OMIM 225500.

Submission:

Myriad Genetics, Inc.
Classification: Likely pathogenic for Ellis-van Creveld syndrome. Last evaluated: 2022-03-18. Review status: criteria provided, single submitter. Criteria: Myriad Women's Health Autosomal Recessive and X-Linked Classification Criteria (2021). Collection method: clinical testing. Allele origin: unknown.
Comment: NM_153717.2(EVC):c.13_14insCTCA(G5Afs*69) is expected to be pathogenic in the context of EVC-related Ellis-van Creveld syndrome. This variant is predicted to lead to an abnormal or absent protein product due to the creation of a premature termination codon in EVC, a gene where loss-of-function variants are known to be pathogenic. Please note: this variant was assessed in the context of healthy population screening.